The following is an entry in ClinVar:

NM_032485.6(MCM8):c.-5-7C>T

Gene: MCM8 (minichromosome maintenance 8 homologous recombination repair factor; plus strand). Cytogenetic location: 20p12.3.
Variant type: single nucleotide variant.
Coding change: c.-5-7C>T on transcript NM_032485.6 (MANE Select); 7 bases into the intron before 5 bases upstream of the start codon, C replaced by T.
Molecular consequence: intron variant.
Genome position (GRCh38, 1-based): chr20:5,952,004, C>T. VCF-style: chr20-5952004-C-T. GRCh37 (hg19) VCF-style: chr20-5932650-C-T.
Other names: c.-5-7C>T (NM_001281520.2, NM_182802.3, NM_001281522.2 and 1 more transcripts).
Identifiers: ClinVar variation 1270703 (VCV001270703.2), dbSNP rs17220251, ClinGen allele CA9756320.
Genomic context (GRCh38, chr20:5,952,004, plus strand): 5'-ATACATTTTTAAGAGCACTATTTTCCTTACAGTTTTGGTGAAGACCTTTTTAATATCTAT[C>T]TTTTAGGAGAGATGAATGGAGAGTATAGAGGCAGAGGATTTGGACGAGGAAGATTTCAAA-3'

ClinVar aggregate classification (germline): Benign. Review status: criteria provided, multiple submitters, no conflicts (2 of 4 stars). 2 submissions from 2 submitters: Benign (2). Last evaluated 2020-07-14.

Allele frequency attached by ClinVar (database versions not stated): ESP Exome Variant Server 0.01315; 1000 Genomes Project 0.01518; 1000 Genomes Project 30x 0.01686; gnomAD 0.01908 and 0.01937; TOPMed 0.02041.
gnomAD v4.1: 33,528 of 1,606,112 alleles (2.1%); highest among the groups gnomAD compares: Admixed American, 7.7%; 548 homozygotes.

Submissions (2):

GeneDx
Classification: Benign. Last evaluated: 2020-07-14. Review status: criteria provided, single submitter. Criteria: GeneDx Variant Classification Process June 2021. Collection method: clinical testing. Allele origin: germline. Affected: yes.
Comment: This variant is associated with the following publications: (PMID: 32155011)

Breakthrough Genomics
Classification: Benign. Review status: criteria provided, single submitter. Criteria: ACMG Guidelines, 2015. Collection method: not provided. Allele origin: germline. Inheritance: Autosomal recessive inheritance. Affected: yes.